The following is an entry in ClinVar:

ClinVar aggregate classification (germline): Pathogenic. Review status: reviewed by expert panel (3 of 4 stars). 11 submissions from 11 submitters: Pathogenic (1). 10 of the submissions do not count toward it. Last evaluated 2022-06-03.

Conditions:
Glycogen storage disease, type II (IOPD). Also called: Glucosidase acid-1,4-alpha deficiency; CARDIOMEGALIA GLYCOGENICA DIFFUSA; GLYCOGENOSIS, GENERALIZED, CARDIAC FORM; GSD II; POMPE DISEASE, INFANTILE-ONSET; GLYCOGEN STORAGE DISEASE II, INFANTILE-ONSET. Identifiers: Orphanet 365, MedGen C0017921, MONDO:0009290, OMIM 232300.

Allele frequency attached by ClinVar (database versions not stated): ExAC 0.00001; gnomAD 0.00001; gnomAD exomes 0.00001; TOPMed 0.00001.
gnomAD v4.1: 6 of 1,612,962 alleles (0.00037%); highest among the groups gnomAD compares: Admixed American, 0.0033%; no homozygotes.

Submissions 1 to 8 of 11:

ClinGen Lysosomal Storage Disorder Variant Curation Expert Panel
Classification: Pathogenic for Glycogen storage disease, type II. Last evaluated: 2022-06-03. Review status: reviewed by expert panel. Criteria: clingen_lsd_acmg_specifications_v2-1. Collection method: curation. Allele origin: germline. Inheritance: Autosomal recessive inheritance.
Comment: The NM_000152.5:c.1082C>T variant in GAA is a missense variant predicted to cause substitution of proline by leucine at amino acid 361 (p.Pro361Leu). This variant has been reported in at least 13 individuals with clinical symptoms consistent with Pompe disease including 6 individuals with documented laboratory values showing deficiency of GAA activity below normal range in leukocytes or <1% activity in fibroblasts or another tissue, many of whom were also reported to be showing improvement on enzyme replacement therapy and/or had specific features reported for infantile onset Pompe disease including cardiomyopathy and motor delay (PMID: 21484825, 25139343, 25526786, 26497565, 27344650, 31439017, 31915562) and another patient with features specific for infantile onset Pompe disease, on enzyme replacement therapy (PMID: 30023291). Pseudodeficiency variants, c.1726G>A and c.2065G>A, were reported to be absent in at least one of these patients (PMID: 25526786) (PP4_Moderate). Of the patients reported with this variant, four are compound heterozygous for the variant and another variant in GAA classified as pathogenic by the ClinGen LSD VCEP including c.784G>A (p.Glu262Lys) (PMID: 31915562; confirmed in trans by parental DNA testing) and c.1933G>A (p.Asp645Asn) (PMID: 26497565, 27344650; phase unknown), c.1935C>A (p.Asp645Glu) (PMID: 31439017; phase unknown), and c.2238G>C (p.Trp746Cys) (PMID: 35123860; phase unknown). In addition, two homozygotes have been reported (PMID: 30023291, 31931849), one of whom was identified by next generation sequencing panel for limb girdle muscle weakness, and not counted due to no report of follow up enzyme studies to confirm diagnosis of Pompe disease (PMID: 31931849) (PM3_Strong). Additional patients have been reported with the variant in compound heterozygosity with another variant including c.503G>C (p.Arg168Pro) (PMID: 25526786), c.953T>C (p.Met318Thr) (PMID: 25139343), c.1309C>T (p.Arg437Cys) (PMID: 12601120, 27692865), c.1432G>A (p.Gly478Arg) (PMID: 25213570), c.1979G>A (p.Arg660His) (PMID: 21484825), and c.1551+1G>C (PMID: 16917947). In these cases, the allelic data will be used in the assessment of the second variant and was not applied to PM3 here in order to avoid circular logic. The highest population minor allele frequency in gnomAD v2.1.1 is 0.00006 in the Latino population which is lower than the ClinGen LSD VCEP threshold (<0.001) for PM2_Supporting, meeting this criterion. When expressed in COS cells and GAA deficient fibroblasts, this variant resulted in <4% wild type GAA activity in three different studies (PMID: 12601120, 19862843, 22644586) and showed evidence of abnormal synthesis and processing on Western blot (PMID: 22644586) (PS3_Moderate). The computational predictor REVEL gives a score of 0.951 which is above the threshold of 0.7, evidence that correlates with impact to GAA function (PP3). Another variant at the same codon, c.1082C>A (p.Pro361Arg) has been reported (PMID: 31076647). The classification of p.Pro163Leu will be used in the assessment of p.Pro361Arg and, therefore, PM5 is not applied here. There is a ClinVar entry for this variant (Variation ID: 403712, 2 star review status) with four submitters classifying the variant as pathogenic and two as likely pathogenic. In summary, this variant meets the criteria to be classified as pathogenic for Pompe disease. GAA-specific ACMG/AMP criteria applied, as specified by the ClinGen LSD VCEP: PM3_Strong, PS3_Moderate, PP4_Moderate, PP3, PM2_Supporting. Classification approved by the ClinGen LSD VCEP on May 16, 2022.

Genomenon, Inc
Classification: Likely pathogenic for Glycogen storage disease, type II. Last evaluated: 2026-07-01. Review status: criteria provided, single submitter. Criteria: Genomenon Sequence Variant Interpretation Standards - Updated. Collection method: curation. Allele origin: germline. Affected: yes. Not counted in ClinVar's aggregate classification.
Comment: GAA p.Pro361Leu (c.1082C>T) is a missense variant that changes the amino acid at codon 361 from Proline to Leucine. This variant has been observed in at least one proband with a GAA-related disorder in the compound heterozygous and/or homozygous state (PMID:38958145;38162137;37542277;36137614;35833019;34864681;34647686;34539730). At least one functional study has demonstrated a substantial alteration in protein function relative to the wild-type (PMID:12601120;19862843;22644586). It is absent or not present at a significant frequency in gnomAD. In silico models predict that this variant is possibly or probably damaging. In conclusion, we classify GAA p.Pro361Leu (c.1082C>T) as a likely pathogenic variant.

Labcorp Genetics (formerly Invitae), Labcorp
Classification: Pathogenic for Glycogen storage disease, type II. Last evaluated: 2026-01-20. Review status: criteria provided, single submitter. Criteria: Invitae Variant Classification Sherloc (09022015). Collection method: clinical testing. Allele origin: germline. Not counted in ClinVar's aggregate classification.
Comment: This sequence change replaces proline, which is neutral and non-polar, with leucine, which is neutral and non-polar, at codon 361 of the GAA protein (p.Pro361Leu). This variant is present in population databases (rs755253527, gnomAD 0.006%). This missense change has been observed in individual(s) with Pompe disease (PMID: 12601120, 16917947, 25213570, 27344650, 30023291). In at least one individual the data is consistent with being in trans (on the opposite chromosome) from a pathogenic variant. ClinVar contains an entry for this variant (Variation ID: 403712). Invitae Evidence Modeling of protein sequence and biophysical properties (such as structural, functional, and spatial information, amino acid conservation, physicochemical variation, residue mobility, and thermodynamic stability) indicates that this missense variant is expected to disrupt GAA protein function with a positive predictive value of 95%. Experimental studies have shown that this missense change affects GAA function (PMID: 12601120). For these reasons, this variant has been classified as Pathogenic.

Natera, Inc.
Classification: Pathogenic for Glycogen storage disease type II. Last evaluated: 2026-01-13. Review status: criteria provided, single submitter. Criteria: Natera Variant Classification Schema (03/2026). Collection method: clinical testing. Allele origin: germline. Not counted in ClinVar's aggregate classification.
Comment: The c.1082C>T variant in GAA is a missense variant predicted to cause substitution of proline to leucine at amino acid 361. This variant is rare in the general population with a frequency below the threshold expected for the associated phenotype(s). This variant has been observed in one or more individuals affected with the associated recessive disease, as either homozygous or compound heterozygous with a second variant (PMID: 21484825, 25213570, 25139343, 25526786, 26497565). Computational prediction algorithms indicate this variant is likely to affect gene or protein function. Given the available evidence, this variant is classified as Pathogenic.

Revvity Omics, Revvity
Classification: Pathogenic. Last evaluated: 2025-04-17. Review status: criteria provided, single submitter. Criteria: ACMG Guidelines, 2015. Collection method: clinical testing. Allele origin: germline. Not counted in ClinVar's aggregate classification.

Women's Health and Genetics/Laboratory Corporation of America, LabCorp
Classification: Pathogenic for Glycogen storage disease, type II. Last evaluated: 2022-10-31. Review status: criteria provided, single submitter. Criteria: LabCorp Variant Classification Summary - May 2015. Collection method: clinical testing. Allele origin: germline. Not counted in ClinVar's aggregate classification.
Comment: Variant summary: GAA c.1082C>T (p.Pro361Leu) results in a non-conservative amino acid change in the encoded protein sequence. Five of five in-silico tools predict a damaging effect of the variant on protein function. The variant allele was found at a frequency of 1.2e-05 in 249370 control chromosomes. c.1082C>T has been reported in the literature in multiple individuals affected with Glycogen Storage Disease, Type 2 (Pompe Disease). These data indicate that the variant is very likely to be associated with disease. Eight clinical diagnostic laboratories have submitted clinical-significance assessments for this variant to ClinVar after 2014 without evidence for independent evaluation. All laboratories classified the variant as pathogenic/likely pathogenic. Based on the evidence outlined above, the variant was classified as pathogenic.

GeneDx
Classification: Pathogenic. Last evaluated: 2022-04-26. Review status: criteria provided, single submitter. Criteria: GeneDx Variant Classification Process June 2021. Collection method: clinical testing. Allele origin: germline. Affected: yes. Not counted in ClinVar's aggregate classification.
Comment: Published functional studies demonstrate a damaging effect with significantly reduced enzymatic activity compared to wildtype (Kroos et al., 2012); Not observed at significant frequency in large population cohorts (gnomAD); In silico analysis supports that this missense variant has a deleterious effect on protein structure/function; This variant is associated with the following publications: (PMID: 28592009, 30281819, 25213570, 12601120, 16917947, 27344650, 30275481, 30023291, 34134972, 31086307, 22644586, 34539730, 31915562)

Fulgent Genetics
Classification: Pathogenic for Glycogen storage disease, type II. Last evaluated: 2021-10-16. Review status: criteria provided, single submitter. Criteria: ACMG Guidelines, 2015. Collection method: clinical testing. Allele origin: unknown. Not counted in ClinVar's aggregate classification.

NM_000152.5(GAA):c.1082C>T (p.Pro361Leu)

Gene: GAA (alpha glucosidase; plus strand). Cytogenetic location: 17q25.3.
Variant type: single nucleotide variant.
Coding change: c.1082C>T on transcript NM_000152.5 (MANE Select); coding-DNA position 1082, C replaced by T.
Protein change: p.Pro361Leu; replaces proline 361 with leucine.
Molecular consequence: missense variant.
Genome position (GRCh38, 1-based): chr17:80,108,495, C>T. VCF-style: chr17-80108495-C-T. GRCh37 (hg19) VCF-style: chr17-78082294-C-T.
Other names: NM_000152.5(GAA):c.1082C>T; c.1082C>T (LRG_673t1); c.1082C>T, p.Pro361Leu (NM_001079803.3, NM_001079804.3); short protein forms P361L.
Identifiers: ClinVar variation 403712 (VCV000403712.33), dbSNP rs755253527, ClinGen allele CA8815163.